The following is an entry in ClinVar:

NM_001211.6(BUB1B):c.992T>C (p.Ile331Thr)

Gene: BUB1B (BUB1 mitotic checkpoint serine/threonine kinase B; plus strand). Cytogenetic location: 15q15.1.
Variant type: single nucleotide variant.
Coding change: c.992T>C on transcript NM_001211.6 (MANE Select); coding-DNA position 992, T replaced by C.
Protein change: p.Ile331Thr; replaces isoleucine 331 with threonine.
Molecular consequence: missense variant.
Genome position (GRCh38, 1-based): chr15:40,185,576, T>C. VCF-style: chr15-40185576-T-C. GRCh37 (hg19) VCF-style: chr15-40477777-T-C.
Other names: short protein forms I331T.
Identifiers: ClinVar variation 1768645 (VCV001768645.7), dbSNP rs971891189, ClinGen allele CA268783898.

ClinVar aggregate classification (germline): Conflicting classifications of pathogenicity. Review status: criteria provided, conflicting classifications (1 of 4 stars). 3 submissions from 3 submitters: Uncertain significance (1); Benign (1); Likely benign (1). Last evaluated 2023-10-22.

Conditions:
Ovarian cancer. Also called: OVARIAN CANCER, SOMATIC. Identifiers: Orphanet 213500, MedGen C1140680, MONDO:0008170, OMIM 167000.
Inborn genetic diseases. Identifiers: MedGen C0950123, MeSH D030342.
Mosaic variegated aneuploidy syndrome 1 (MVA1). Also called: Warburton-Anyane-Yeboa syndrome. Identifiers: Orphanet 1052, MedGen C1850343, MONDO:0009759, OMIM 257300.

Allele frequency attached by ClinVar (database versions not stated): gnomAD exomes below 0.00001; gnomAD 0.00001; TOPMed 0.00001.
gnomAD v4.1: 6 of 1,614,072 alleles (0.00037%); highest among the groups gnomAD compares: Non-Finnish European, 0.00051%; no homozygotes.

Submissions (3):

Labcorp Genetics (formerly Invitae), Labcorp
Classification: Uncertain significance for Mosaic variegated aneuploidy syndrome 1. Last evaluated: 2023-10-22. Review status: criteria provided, single submitter. Criteria: Invitae Variant Classification Sherloc (09022015). Collection method: clinical testing. Allele origin: germline.
Comment: This sequence change replaces isoleucine, which is neutral and non-polar, with threonine, which is neutral and polar, at codon 331 of the BUB1B protein (p.Ile331Thr). This variant is not present in population databases (gnomAD no frequency). This variant has not been reported in the literature in individuals affected with BUB1B-related conditions. ClinVar contains an entry for this variant (Variation ID: 1768645). Algorithms developed to predict the effect of missense changes on protein structure and function output the following: SIFT: "Not Available"; PolyPhen-2: "Benign"; Align-GVGD: "Not Available". The threonine amino acid residue is found in multiple mammalian species, which suggests that this missense change does not adversely affect protein function. In summary, the available evidence is currently insufficient to determine the role of this variant in disease. Therefore, it has been classified as a Variant of Uncertain Significance.

Ambry Genetics
Classification: Likely benign for Inborn genetic diseases. Last evaluated: 2022-09-26. Review status: criteria provided, single submitter. Criteria: Ambry Variant Classification Scheme 2023. Collection method: clinical testing. Allele origin: germline.

Laboratory of Molecular Epidemiology of Birth Defects, West China Second University Hospital, Sichuan University
Classification: Benign for Ovarian cancer. Last evaluated: 2022-01-01. Review status: criteria provided, single submitter. Criteria: ACMG Guidelines, 2015. Collection method: clinical testing. Allele origin: germline. Affected: yes.